The following is an entry in ClinVar:

NM_178857.6(RP1L1):c.4484C>G (p.Pro1495Arg)

Gene: RP1L1 (RP1 like 1). Cytogenetic location: 8p23.1.
Variant type: single nucleotide variant.
Coding change: c.4484C>G on transcript NM_178857.6 (MANE Select); coding-DNA position 4484, C replaced by G.
Protein change: p.Pro1495Arg; replaces proline 1495 with arginine.
Molecular consequence: missense variant.
Genome position (GRCh38, 1-based): chr8:10,609,614, G>C on the plus strand (C>G on the coding strand, the complement: RP1L1 is on the minus strand). VCF-style: chr8-10609614-G-C. GRCh37 (hg19) VCF-style: chr8-10467124-G-C.
Other names: short protein forms P1495R.
Identifiers: ClinVar variation 361276 (VCV000361276.17), dbSNP rs4841399, ClinGen allele CA4624007.

ClinVar aggregate classification (germline): Benign. Review status: criteria provided, multiple submitters, no conflicts (2 of 4 stars). 8 submissions from 7 submitters: Benign (6). 2 of the submissions do not count toward it. Last evaluated 2023-10-01.

Conditions:
Occult macular dystrophy (OCMD). Also called: OMD; OCCULT MACULAR DYSTROPHY, SUSCEPTIBILITY TO. Identifiers: Orphanet 247834, MedGen C3150833, MONDO:0013316, OMIM 613587, HP:0030636.
Retinitis pigmentosa 88. Identifiers: MedGen C5394208, MONDO:0032940, OMIM 618826.
Retinal dystrophy. Also called: Inherited retinal dystrophy. Identifiers: Orphanet 71862, MedGen C0854723, MeSH D058499, MONDO:0019118, HP:0000556.

Allele frequency attached by ClinVar (database versions not stated): ESP Exome Variant Server 0.24391; gnomAD 0.27880 and 0.28031; 1000 Genomes Project 30x 0.28154; 1000 Genomes Project 0.28175; TOPMed 0.28213; ExAC 0.29447; gnomAD exomes 0.29830.
gnomAD v4.1: 425,097 of 1,606,904 alleles (26%); highest among the groups gnomAD compares: Admixed American, 43%; 58,638 homozygotes.

Submissions (8):

Dept Of Ophthalmology, Nagoya University
Classification: Benign for Retinal dystrophy. Last evaluated: 2023-10-01. Review status: criteria provided, single submitter. Criteria: Submitter's publication. Collection method: research. Allele origin: germline. Affected: yes.

Genome-Nilou Lab
Classification: Benign for Occult macular dystrophy. Last evaluated: 2021-11-07. Review status: criteria provided, single submitter. Criteria: ACMG Guidelines, 2015. Collection method: clinical testing. Allele origin: germline. Affected: no.

Genome-Nilou Lab
Classification: Benign for Retinitis pigmentosa 88. Last evaluated: 2021-11-07. Review status: criteria provided, single submitter. Criteria: ACMG Guidelines, 2015. Collection method: clinical testing. Allele origin: germline. Affected: no.

GeneDx
Classification: Benign. Last evaluated: 2021-02-10. Review status: criteria provided, single submitter. Criteria: GeneDx Variant Classification Process June 2021. Collection method: clinical testing. Allele origin: germline. Affected: yes.

Illumina Laboratory Services, Illumina
Classification: Benign for Occult macular dystrophy. Last evaluated: 2018-01-12. Review status: criteria provided, single submitter. Criteria: ICSL Variant Classification Criteria 13 December 2019. Collection method: clinical testing. Allele origin: germline.
Comment: This variant was observed in the ICSL laboratory as part of a predisposition screen in an ostensibly healthy population. It had not been previously curated by ICSL or reported in the Human Gene Mutation Database (HGMD: prior to June 1st, 2018), and was therefore a candidate for classification through an automated scoring system. Utilizing variant allele frequency, disease prevalence and penetrance estimates, and inheritance mode, an automated score was calculated to assess if this variant is too frequent to cause the disease. Based on the score and internal cut-off values, a variant classified as benign is not then subjected to further curation. The score for this variant resulted in a classification of benign for this disease.

Breakthrough Genomics
Classification: Benign. Review status: criteria provided, single submitter. Criteria: ACMG Guidelines, 2015. Collection method: not provided. Allele origin: germline. Inheritance: Autosomal recessive inheritance. Affected: yes.

Diagnostic Laboratory, Department of Genetics, University Medical Center Groningen
Classification: Benign. Review status: no assertion criteria provided. Collection method: clinical testing. Allele origin: germline. Affected: yes. Study: VKGL Data-share Consensus. Not counted in ClinVar's aggregate classification.

Joint Genome Diagnostic Labs from Nijmegen and Maastricht, Radboudumc and MUMC+
Classification: Benign. Review status: no assertion criteria provided. Collection method: clinical testing. Allele origin: germline. Affected: yes. Study: VKGL Data-share Consensus. Not counted in ClinVar's aggregate classification.